The following is an entry in ClinVar:

ClinVar aggregate classification (germline): Pathogenic (1 of 4 stars; one submission).

Submission:

GeneDx
Classification: Pathogenic. Last evaluated: 2015-09-15. Review status: criteria provided, single submitter. Criteria: GeneDx Variant Classification (06012015). Collection method: clinical testing. Allele origin: germline. Affected: yes.
Comment: The c.1375delC deletion in the SALL4 gene has not been reported previously as a pathogenic variant nor as a benign polymorphism, to our knowledge. No data from control populations was available to assess the frequency of this variant. The c.1375delC deletion is predicted to cause loss of normal protein function either through protein truncation or nonsense-mediated mRNA decay. We interpret c.1375delC as a pathogenic variant.

NM_020436.5(SALL4):c.1375del (p.Leu459fs)

Gene: SALL4 (spalt like transcription factor 4; minus strand). Cytogenetic location: 20q13.2.
Variant type: Deletion.
Coding change: c.1375del on transcript NM_020436.5 (MANE Select); coding-DNA position 1375, one base deleted (C; older notation c.1375delC).
Protein change: p.Leu459fs; shifts the reading frame from leucine 459.
Molecular consequence: frameshift variant. On other transcripts: intron variant (1).
Genome position (GRCh38, 1-based): chr20:51,791,108, G deleted on the plus strand (C on the coding strand, the reverse complement: SALL4 is on the minus strand). VCF-style (leftmost placement, unchanged base first): chr20-51791107-AG-A. GRCh37 (hg19) VCF-style: chr20-50407646-AG-A.
Other names: c.1150+225del (NM_001318031.2); c.1375del (LRG_675t1); short protein forms L459fs.
Identifiers: ClinVar variation 429698 (VCV000429698.2), dbSNP rs1131691536, ClinGen allele CA645369787.
Genomic context (GRCh38, chr20:51,791,107, plus strand): 5'-ACAAGGACAGGTTTGCTGTCTAAAGAAAGACTCGGTTCATCTATGGGGTCAGGTACAGAG[AG>A]TGCATAGGGGATGCCATTGCCGGCCGCCACTTTGTCCTGGAACTCGGCAAACAGCTGGGG-3'